The following is an entry in ClinVar:

NM_005263.5(GFI1):c.232A>G (p.Ser78Gly)

Gene: GFI1 (growth factor independent 1 transcriptional repressor; minus strand). Cytogenetic location: 1p22.1.
Variant type: single nucleotide variant.
Coding change: c.232A>G on transcript NM_005263.5 (MANE Select); coding-DNA position 232, A replaced by G.
Protein change: p.Ser78Gly; replaces serine 78 with glycine.
Molecular consequence: missense variant.
Genome position (GRCh38, 1-based): chr1:92,482,930, T>C on the plus strand (A>G on the coding strand, the complement: GFI1 is on the minus strand). VCF-style: chr1-92482930-T-C. GRCh37 (hg19) VCF-style: chr1-92948487-T-C.
Other names: c.232A>G, p.Ser78Gly (NM_001127215.3, NM_001127216.3); short protein forms S78G.
Identifiers: ClinVar variation 2806072 (VCV002806072.4), dbSNP rs867808081, ClinGen allele CA27090576.

ClinVar aggregate classification (germline): Uncertain significance. Review status: criteria provided, multiple submitters, no conflicts (2 of 4 stars). 2 submissions from 2 submitters: Uncertain significance (2). Last evaluated 2024-11-21.

Conditions:
Neutropenia, severe congenital, 2, autosomal dominant. Identifiers: Orphanet 486, MedGen C2751288, MONDO:0013139, OMIM 613107.

Allele frequency attached by ClinVar (database versions not stated): gnomAD exomes below 0.00001.
gnomAD v4.1: 3 of 1,614,032 alleles (0.00019%); highest among the groups gnomAD compares: Non-Finnish European, 0.00025%; no homozygotes.

Submissions (2):

Ambry Genetics
Classification: Uncertain significance. Last evaluated: 2024-11-21. Review status: criteria provided, single submitter. Criteria: Ambry Variant Classification Scheme 2023. Collection method: clinical testing. Allele origin: germline.
Comment: The p.S78G variant (also known as c.232A>G), located in coding exon 2 of the GFI1 gene, results from an A to G substitution at nucleotide position 232. The serine at codon 78 is replaced by glycine, an amino acid with similar properties. This amino acid position is conserved. In addition, this alteration is predicted to be tolerated by in silico analysis. Based on the available evidence, the clinical significance of this variant remains unclear.

Labcorp Genetics (formerly Invitae), Labcorp
Classification: Uncertain significance for Neutropenia, severe congenital, 2, autosomal dominant. Last evaluated: 2023-10-23. Review status: criteria provided, single submitter. Criteria: Invitae Variant Classification Sherloc (09022015). Collection method: clinical testing. Allele origin: germline.
Comment: This sequence change replaces serine, which is neutral and polar, with glycine, which is neutral and non-polar, at codon 78 of the GFI1 protein (p.Ser78Gly). This variant is present in population databases (no rsID available, gnomAD no frequency). This variant has not been reported in the literature in individuals affected with GFI1-related conditions. Advanced modeling of protein sequence and biophysical properties (such as structural, functional, and spatial information, amino acid conservation, physicochemical variation, residue mobility, and thermodynamic stability) performed at Invitae indicates that this missense variant is not expected to disrupt GFI1 protein function with a negative predictive value of 80%. In summary, the available evidence is currently insufficient to determine the role of this variant in disease. Therefore, it has been classified as a Variant of Uncertain Significance.